The following is an entry in ClinVar:

NM_000057.4(BLM):c.262G>C (p.Asp88His)

Gene: BLM (BLM RecQ like helicase; plus strand). Cytogenetic location: 15q26.1.
Variant type: single nucleotide variant.
Coding change: c.262G>C on transcript NM_000057.4 (MANE Select); coding-DNA position 262, G replaced by C.
Protein change: p.Asp88His; replaces aspartic acid 88 with histidine.
Molecular consequence: missense variant. On other transcripts: 5 prime UTR variant (1).
Genome position (GRCh38, 1-based): chr15:90,749,530, G>C. VCF-style: chr15-90749530-G-C. GRCh37 (hg19) VCF-style: chr15-91292760-G-C.
Other names: c.262G>C, p.Asp88His (NM_001287246.2, NM_001287247.2); c.-1030G>C (NM_001287248.2); c.262G>C (NM_000057.2); short protein forms D88H.
Identifiers: ClinVar variation 960523 (VCV000960523.13), dbSNP rs752379441, ClinGen allele CA393840043.
Genomic context (GRCh38, chr15:90,749,530, plus strand): 5'-ACCGAAGACTTTTCCTTCAGTGAACCTCTACCCAACACCACAAATCAGCAAAGGGTCAAG[G>C]ACTTCTTTAAAAATGCTCCAGCAGGACAGGAAACACAGAGAGGTGGATCAAAATCATTAT-3'
Protein context (NP_000048.1, residues 78-98): PNTTNQQRVK[Asp88His]FFKNAPAGQE

ClinVar aggregate classification (germline): Uncertain significance. Review status: criteria provided, multiple submitters, no conflicts (2 of 4 stars). 4 submissions from 4 submitters: Uncertain significance (3). 1 of the submissions does not count toward it. Last evaluated 2025-08-18.

Conditions:
Hereditary cancer-predisposing syndrome. Also called: Tumor predisposition; Hereditary neoplastic syndrome; Neoplastic Syndromes, Hereditary; Hereditary Cancer Syndrome. Identifiers: Orphanet 140162, MedGen C0027672, MeSH D009386, MONDO:0015356.
Bloom syndrome (BLM). Also called: Bloom-Torre-Machacek syndrome. Identifiers: Orphanet 125, MedGen C0005859, MONDO:0008876, OMIM 210900.

Allele frequency attached by ClinVar (database versions not stated): TOPMed 0.00001.
gnomAD v4.1: 7 of 1,613,980 alleles (0.00043%); highest among the groups gnomAD compares: African/African-American, 0.008%; no homozygotes.

Submissions (4):

Labcorp Genetics (formerly Invitae), Labcorp
Classification: Uncertain significance for Bloom syndrome. Last evaluated: 2025-08-18. Review status: criteria provided, single submitter. Criteria: Invitae Variant Classification Sherloc (09022015). Collection method: clinical testing. Allele origin: germline.
Comment: This sequence change replaces aspartic acid, which is acidic and polar, with histidine, which is basic and polar, at codon 88 of the BLM protein (p.Asp88His). This variant is not present in population databases (gnomAD no frequency). This variant has not been reported in the literature in individuals affected with BLM-related conditions. ClinVar contains an entry for this variant (Variation ID: 960523). An algorithm developed to predict the effect of missense changes on protein structure and function (PolyPhen-2) suggests that this variant is likely to be tolerated. In summary, the available evidence is currently insufficient to determine the role of this variant in disease. Therefore, it has been classified as a Variant of Uncertain Significance.

GeneDx
Classification: Uncertain significance. Last evaluated: 2025-08-04. Review status: criteria provided, single submitter. Criteria: GeneDx Variant Classification Process June 2021. Collection method: clinical testing. Allele origin: germline. Affected: yes.
Comment: Not observed at significant frequency in large population cohorts (gnomAD); In silico analysis suggests that this missense variant does not alter protein structure/function; Has not been previously published as pathogenic or benign to our knowledge

Ambry Genetics
Classification: Uncertain significance for Hereditary cancer-predisposing syndrome. Last evaluated: 2024-07-03. Review status: criteria provided, single submitter. Criteria: Ambry Variant Classification Scheme 2023. Collection method: clinical testing. Allele origin: germline.
Comment: The p.D88H variant (also known as c.262G>C), located in coding exon 2 of the BLM gene, results from a G to C substitution at nucleotide position 262. The aspartic acid at codon 88 is replaced by histidine, an amino acid with similar properties. This amino acid position is not well conserved in available vertebrate species. In addition, this alteration is predicted to be tolerated by in silico analysis. Since supporting evidence is limited at this time, the clinical significance of this alteration remains unclear.

Natera, Inc.
Classification: Uncertain significance for Bloom syndrome. Last evaluated: 2021-08-19. Review status: no assertion criteria provided. Collection method: clinical testing. Allele origin: germline. Not counted in ClinVar's aggregate classification.